The following is an entry in ClinVar:

ClinVar aggregate classification (germline): Uncertain significance (1 of 4 stars; one submission).

Conditions:
Inborn genetic diseases. Identifiers: MedGen C0950123, MeSH D030342.

Submission:

Ambry Genetics
Classification: Uncertain significance for Inborn genetic diseases. Last evaluated: 2021-09-18. Review status: criteria provided, single submitter. Criteria: Ambry Variant Classification Scheme 2023. Collection method: clinical testing. Allele origin: germline.
Comment: The p.V287L variant (also known as c.859G>T), located in coding exon 8 of the LRRK2 gene, results from a G to T substitution at nucleotide position 859. The valine at codon 287 is replaced by leucine, an amino acid with highly similar properties. This amino acid position is conserved. In addition, the in silico prediction for this alteration is inconclusive. Since supporting evidence is limited at this time, the clinical significance of this alteration remains unclear.

NM_198578.4(LRRK2):c.859G>T (p.Val287Leu)

Gene: LRRK2 (leucine rich repeat kinase 2; plus strand). Cytogenetic location: 12q12.
Variant type: single nucleotide variant.
Coding change: c.859G>T on transcript NM_198578.4 (MANE Select); coding-DNA position 859, G replaced by T.
Protein change: p.Val287Leu; replaces valine 287 with leucine.
Molecular consequence: missense variant.
Genome position (GRCh38, 1-based): chr12:40,249,846, G>T. VCF-style: chr12-40249846-G-T. GRCh37 (hg19) VCF-style: chr12-40643648-G-T.
Other names: short protein forms V287L.
Identifiers: ClinVar variation 1763984 (VCV001763984.2), dbSNP rs2499492314, ClinGen allele CA384406839.
Genomic context (GRCh38, chr12:40,249,846, plus strand): 5'-CATGGATGAGAATTCAGCTAATGTTTCACTTAACTTTTAGGTAATTTTTTCAATATCCTG[G>T]TATTAAACGAAGTCCATGAGTTTGTGGTGAAAGCTGTGCAGCAGTACCCAGAGAATGCAG-3'
Protein context (NP_940980.4, residues 277-297): LTLGNFFNIL[Val287Leu]LNEVHEFVVK